The following is an entry in ClinVar:

ClinVar aggregate classification (germline): Benign (1 of 4 stars; one submission).

Allele frequency attached by ClinVar (database versions not stated): gnomAD 0.06317 and 0.06748; TOPMed 0.07072; 1000 Genomes Project 0.07288; 1000 Genomes Project 30x 0.07808.
gnomAD v4.1: 9,466 of 151,444 alleles (6.3%); highest among the groups gnomAD compares: African/African-American, 22%; 1,008 homozygotes.

Submissions (4):

GeneDx
Classification: Benign. Last evaluated: 2018-06-19. Review status: criteria provided, single submitter. Criteria: GeneDx Variant Classification (06012015). Collection method: clinical testing. Allele origin: germline. Affected: yes.
Comment: This variant is considered likely benign or benign based on one or more of the following criteria: it is a conservative change, it occurs at a poorly conserved position in the protein, it is predicted to be benign by multiple in silico algorithms, and/or has population frequency not consistent with disease.

Dr. Peter K. Rogan Lab, Western University
No classification provided (evidence only). Condition: Uterine corpus endometrial carcinoma. Review status: no classification provided. Collection method: in vitro. Allele origin: not applicable. Functional consequence: retained intron. Not counted in ClinVar's aggregate classification.

Dr. Peter K. Rogan Lab, Western University
No classification provided (evidence only). Condition: Sarcoma. Review status: no classification provided. Collection method: in vitro. Allele origin: not applicable. Functional consequence: retained intron. Not counted in ClinVar's aggregate classification.

Dr. Peter K. Rogan Lab, Western University
No classification provided (evidence only). Condition: Cholangiocarcinoma. Review status: no classification provided. Collection method: in vitro. Allele origin: not applicable. Functional consequence: retained intron. Not counted in ClinVar's aggregate classification.

NM_014000.3(VCL):c.622+191C>T

Gene: VCL (vinculin; plus strand). Cytogenetic location: 10q22.2.
Variant type: single nucleotide variant.
Coding change: c.622+191C>T on transcript NM_014000.3 (MANE Select); 191 bases into the intron after coding-DNA position 622, C replaced by T.
Molecular consequence: intron variant.
Genome position (GRCh38, 1-based): chr10:74,073,043, C>T. VCF-style: chr10-74073043-C-T. GRCh37 (hg19) VCF-style: chr10-75832801-C-T.
Other names: NC_000010.10:g.75832801C>T; c.622+191C>T (NM_003373.4).
Identifiers: ClinVar variation 671213 (VCV000671213.2), dbSNP rs71524384, ClinGen allele CA209693356.